The following is an entry in ClinVar:

NM_173660.5(DOK7):c.1289C>T (p.Ala430Val)

Gene: DOK7 (docking protein 7; plus strand). Cytogenetic location: 4p16.3.
Variant type: single nucleotide variant.
Coding change: c.1289C>T on transcript NM_173660.5 (MANE Select); coding-DNA position 1289, C replaced by T.
Protein change: p.Ala430Val; replaces alanine 430 with valine.
Molecular consequence: missense variant. On other transcripts: 3 prime UTR variant (1).
Genome position (GRCh38, 1-based): chr4:3,493,275, C>T. VCF-style: chr4-3493275-C-T. GRCh37 (hg19) VCF-style: chr4-3495002-C-T.
Other names: c.*510C>T (NM_001164673.2); c.359C>T, p.Ala120Val (NM_001256896.2); c.1289C>T, p.Ala430Val (NM_001301071.2); c.857C>T, p.Ala286Val (NM_001363811.2); short protein forms A430V, A286V, A120V.
Identifiers: ClinVar variation 465673 (VCV000465673.9), dbSNP rs745414274, ClinGen allele CA2829450.

ClinVar aggregate classification (germline): Uncertain significance. Review status: criteria provided, multiple submitters, no conflicts (2 of 4 stars). 2 submissions from 2 submitters: Uncertain significance (2). Last evaluated 2024-09-06.

Conditions:
Fetal akinesia deformation sequence 1 (FADS1). Also called: Fetal akinesia sequence; Pena-Shokeir syndrome type I. Identifiers: Orphanet 994, MedGen C1276035, MONDO:0100101, OMIM 208150, HP:0001989.
Congenital myasthenic syndrome 10. Also called: Myasthenia, limb-girdle, familial. Identifiers: Orphanet 590, MedGen C1850792, MONDO:0009690, OMIM 254300.

Allele frequency attached by ClinVar (database versions not stated): gnomAD exomes 0.00002.

Submissions (2):

Women's Health and Genetics/Laboratory Corporation of America, LabCorp
Classification: Uncertain significance. Last evaluated: 2024-09-06. Review status: criteria provided, single submitter. Criteria: LabCorp Variant Classification Summary - May 2015. Collection method: clinical testing. Allele origin: germline.
Comment: Variant summary: DOK7 c.1289C>T (p.Ala430Val) results in a non-conservative amino acid change in the encoded protein sequence. Four of five in-silico tools predict a benign effect of the variant on protein function. The variant allele was found at a frequency of 1.7e-05 in 232502 control chromosomes. The available data on variant occurrences in the general population are insufficient to allow any conclusion about variant significance. To our knowledge, no occurrence of c.1289C>T in individuals affected with Congenital Myasthenic Syndrome and no experimental evidence demonstrating its impact on protein function have been reported. ClinVar contains an entry for this variant (Variation ID: 465673). Based on the evidence outlined above, the variant was classified as uncertain significance.

Labcorp Genetics (formerly Invitae), Labcorp
Classification: Uncertain significance for Congenital myasthenic syndrome 10; Fetal akinesia deformation sequence 1. Last evaluated: 2022-06-23. Review status: criteria provided, single submitter. Criteria: Invitae Variant Classification Sherloc (09022015). Collection method: clinical testing. Allele origin: germline.
Comment: This sequence change replaces alanine, which is neutral and non-polar, with valine, which is neutral and non-polar, at codon 430 of the DOK7 protein (p.Ala430Val). The frequency data for this variant in the population databases is considered unreliable, as metrics indicate poor data quality at this position in the gnomAD database. This variant has not been reported in the literature in individuals affected with DOK7-related conditions. ClinVar contains an entry for this variant (Variation ID: 465673). Algorithms developed to predict the effect of missense changes on protein structure and function output the following: SIFT: "Tolerated"; PolyPhen-2: "Benign"; Align-GVGD: "Class C0". The valine amino acid residue is found in multiple mammalian species, which suggests that this missense change does not adversely affect protein function. In summary, the available evidence is currently insufficient to determine the role of this variant in disease. Therefore, it has been classified as a Variant of Uncertain Significance.